The following is an entry in ClinVar:

NM_001001557.4(GDF6):c.1251C>T (p.Pro417=)

Gene: GDF6 (growth differentiation factor 6; minus strand). Cytogenetic location: 8q22.1.
Variant type: single nucleotide variant.
Coding change: c.1251C>T on transcript NM_001001557.4 (MANE Select); coding-DNA position 1251, C replaced by T.
Protein change: p.Pro417=; no amino-acid change (proline 417 retained).
Molecular consequence: synonymous variant.
Genome position (GRCh38, 1-based): chr8:96,144,680, G>A on the plus strand (C>T on the coding strand, the complement: GDF6 is on the minus strand). VCF-style: chr8-96144680-G-A. GRCh37 (hg19) VCF-style: chr8-97156908-G-A.
Identifiers: ClinVar variation 914550 (VCV000914550.6), dbSNP rs552124580, ClinGen allele CA4815349.

ClinVar aggregate classification (germline): Likely benign. Review status: criteria provided, multiple submitters, no conflicts (2 of 4 stars). 2 submissions from 2 submitters: Likely benign (2). Last evaluated 2024-09-28.

Conditions:
Isolated microphthalmia 4. Identifiers: Orphanet 2542, MedGen C2751307, MONDO:0013130, OMIM 613094.
Leber congenital amaurosis 17 (LCA17). Identifiers: Orphanet 65, MedGen C3715164, MONDO:0014145, OMIM 615360.
Klippel-Feil syndrome 1, autosomal dominant (KFS1). Also called: CERVICAL VERTEBRAL FUSION, AUTOSOMAL DOMINANT. Identifiers: Orphanet 2345, MedGen C1861689, MONDO:0007306, OMIM 118100.
Microphthalmia, isolated, with coloboma 6 (MCOPCB6). Also called: Microphthalmia with coloboma 6, digenic; Microphthalmia with coloboma 6; MICROPHTHALMIA/COLOBOMA 6. Identifiers: Orphanet 98938, MedGen C3150968, MONDO:0013376, OMIM 613703.

Allele frequency attached by ClinVar (database versions not stated): gnomAD 0.00002; ExAC 0.00006; gnomAD exomes 0.00006 and 0.00007; 1000 Genomes Project 30x 0.00016; 1000 Genomes Project 0.00020.
gnomAD v4.1: 103 of 1,614,182 alleles (0.0064%); highest among the groups gnomAD compares: East Asian, 0.23%; no homozygotes.

Submissions (2):

Labcorp Genetics (formerly Invitae), Labcorp
Classification: Likely benign for Isolated microphthalmia 4; Leber congenital amaurosis 17; Klippel-Feil syndrome 1, autosomal dominant; Microphthalmia, isolated, with coloboma 6. Last evaluated: 2024-09-28. Review status: criteria provided, single submitter. Criteria: Invitae Variant Classification Sherloc (09022015). Collection method: clinical testing. Allele origin: germline.

Illumina Laboratory Services, Illumina
Classification: Likely benign for Klippel-Feil syndrome 1, autosomal dominant. Last evaluated: 2018-01-12. Review status: criteria provided, single submitter. Criteria: ICSL Variant Classification Criteria 13 December 2019. Collection method: clinical testing. Allele origin: germline.
Comment: This variant was observed in the ICSL laboratory as part of a predisposition screen in an ostensibly healthy population. It had not been previously curated by ICSL or reported in the Human Gene Mutation Database (HGMD: prior to June 1st, 2018), and was therefore a candidate for classification through an automated scoring system. Utilizing variant allele frequency, disease prevalence and penetrance estimates, and inheritance mode, an automated score was calculated to assess if this variant is too frequent to cause the disease. Based on the score and internal cut-off values, a variant classified as likely benign is not then subjected to further curation. The score for this variant resulted in a classification of likely benign for this disease.